The following is an entry in ClinVar:

NM_001204.7(BMPR2):c.704C>T (p.Ala235Val)

Gene: BMPR2 (bone morphogenetic protein receptor type 2; plus strand). Cytogenetic location: 2q33.2.
Variant type: single nucleotide variant.
Coding change: c.704C>T on transcript NM_001204.7 (MANE Select); coding-DNA position 704, C replaced by T.
Protein change: p.Ala235Val; replaces alanine 235 with valine.
Molecular consequence: missense variant.
Genome position (GRCh38, 1-based): chr2:202,518,904, C>T. VCF-style: chr2-202518904-C-T. GRCh37 (hg19) VCF-style: chr2-203383627-C-T.
Other names: short protein forms A235V.
Identifiers: ClinVar variation 3824833 (VCV003824833.1).

ClinVar aggregate classification (germline): Uncertain significance (1 of 4 stars; one submission).

Conditions:
Inborn genetic diseases. Identifiers: MedGen C0950123, MeSH D030342.

Submission:

Ambry Genetics
Classification: Uncertain significance for Inborn genetic diseases. Last evaluated: 2025-01-10. Review status: criteria provided, single submitter. Criteria: Ambry Variant Classification Scheme 2023. Collection method: clinical testing. Allele origin: germline.
Comment: The p.A235V variant (also known as c.704C>T), located in coding exon 6 of the BMPR2 gene, results from a C to T substitution at nucleotide position 704. The alanine at codon 235 is replaced by valine, an amino acid with similar properties. This amino acid position is conserved. In addition, the in silico prediction for this alteration is inconclusive. Based on the available evidence, the clinical significance of this variant remains unclear.